The following is an entry in ClinVar:

NM_001332.4(CTNND2):c.579A>C (p.Thr193=)

Gene: CTNND2 (catenin delta 2; minus strand). Cytogenetic location: 5p15.2.
Variant type: single nucleotide variant.
Coding change: c.579A>C on transcript NM_001332.4 (MANE Select); coding-DNA position 579, A replaced by C.
Protein change: p.Thr193=; no amino-acid change (threonine 193 retained).
Molecular consequence: synonymous variant. On other transcripts: 5 prime UTR variant (1), intron variant (2).
Genome position (GRCh38, 1-based): chr5:11,397,064, T>G on the plus strand (A>C on the coding strand, the complement: CTNND2 is on the minus strand). VCF-style: chr5-11397064-T-G. GRCh37 (hg19) VCF-style: chr5-11397176-T-G.
Other names: c.306A>C, p.Thr102= (NM_001288715.1); c.-156A>C (NM_001288717.2); c.166+14472A>C (NM_001364128.2, NM_001288716.1).
Identifiers: ClinVar variation 3026731 (VCV003026731.22), dbSNP rs2547201975, ClinGen allele CA443351577.

ClinVar aggregate classification (germline): Likely benign (1 of 4 stars; one submission).

Submission:

CeGaT Center for Human Genetics Tuebingen
Classification: Likely benign. Last evaluated: 2024-01-01. Review status: criteria provided, single submitter. Criteria: CeGaT Center For Human Genetics Tuebingen Variant Classification Criteria Version 2. Collection method: clinical testing. Allele origin: germline. Affected: yes. Observed: 1 variant allele.
Comment: CTNND2: PM2:Supporting, BP4, BP7